The following is an entry in ClinVar:

ClinVar aggregate classification (germline): Pathogenic (1 of 4 stars; one submission).

Conditions:
Cerebral folate transport deficiency. Also called: FOLATE RECEPTOR DEFICIENCY; Neurodegenerative syndrome due to cerebral folate transport deficiency; FOLR1-Related Cerebral Folate Transport Deficiency; Cerebral folate deficiency syndrome; NEURODEGENERATION DUE TO CEREBRAL FOLATE TRANSPORT DEFICIENCY. Identifiers: Orphanet 217382, MedGen C2751584, MONDO:0013110, OMIM 613068. Disease mechanism: loss of function.

Submission:

Labcorp Genetics (formerly Invitae), Labcorp
Classification: Pathogenic for Cerebral folate transport deficiency. Last evaluated: 2020-09-09. Review status: criteria provided, single submitter. Criteria: Invitae Variant Classification Sherloc (09022015). Collection method: clinical testing. Allele origin: germline.
Comment: This variant has not been reported in the literature in individuals with FOLR1-related conditions. This variant is present in population databases (rs753776182, ExAC 0.001%). This sequence change results in a premature translational stop signal in the FOLR1 gene (p.His195Profs*38). While this is not anticipated to result in nonsense mediated decay, it is expected to disrupt the last 63 amino acids of the FOLR1 protein. This variant disrupts the C-terminus of the FOLR1 protein. Other variant(s) that disrupt this region (p.Arg204*) have been determined to be pathogenic (PMID: 21752681, 24556562, Invitae). This suggests that variants that disrupt this region of the protein are likely to be causative of disease. For these reasons, this variant has been classified as Pathogenic.

Literature cited by the submitters: PubMed 21752681; PubMed 24556562.

NM_016729.3(FOLR1):c.584_587del (p.His195fs)

Genes: FOLR1 (folate receptor alpha; plus strand), FOLR1-AS1 (FOLR1 antisense RNA 1; minus strand). Cytogenetic location: 11q13.4.
Variant type: Microsatellite.
Coding change: c.584_587del on transcript NM_016729.3 (MANE Select); coding-DNA positions 584 to 587, 4 bases deleted (ACTC; older notation c.584_587delACTC).
Protein change: p.His195fs; shifts the reading frame from histidine 195.
Molecular consequence: frameshift variant.
Genome position (GRCh38, 1-based): chr11:72,195,987-72,195,990, ACTC deleted; deleting any 4 consecutive bases within chr11:72,195,983-72,195,990 gives the same sequence; the c. name uses the placement nearest the transcript's 3' end. VCF-style (leftmost placement, unchanged base first): chr11-72195982-GACTC-G. GRCh37 (hg19) VCF-style: chr11-71907026-GACTC-G.
Other names: c.584_587del, p.His195fs (NM_000802.3, NM_016724.3, NM_016725.3); short protein forms H195fs.
Identifiers: ClinVar variation 1068582 (VCV001068582.10), dbSNP rs753776182, ClinGen allele CA6169232.